The following is an entry in ClinVar:

ClinVar aggregate classification (germline): Likely benign. Review status: criteria provided, multiple submitters, no conflicts (2 of 4 stars). 2 submissions from 2 submitters: Likely benign (2). Last evaluated 2024-10-09.

Allele frequency attached by ClinVar (database versions not stated): 1000 Genomes Project 30x 0.00031; gnomAD 0.00061; TOPMed 0.00062; ExAC 0.00090; gnomAD exomes 0.00103.
gnomAD v4.1: 1,578 of 1,610,242 alleles (0.098%); highest among the groups gnomAD compares: Non-Finnish European, 0.12%; 2 homozygotes.

Submissions (2):

Blueprint Genetics
Classification: Likely benign. Last evaluated: 2024-10-09. Review status: criteria provided, single submitter. Criteria: ACMG Guidelines, 2015. Collection method: clinical testing. Allele origin: germline.

CeGaT Center for Human Genetics Tuebingen
Classification: Likely benign. Last evaluated: 2023-02-01. Review status: criteria provided, single submitter. Criteria: CeGaT Center For Human Genetics Tuebingen Variant Classification Criteria Version 2. Collection method: clinical testing. Allele origin: germline. Affected: yes. Observed: 1 variant allele.
Comment: GGN: BP4, BP7

NM_152657.4(GGN):c.492T>C (p.Phe164=)

Gene: GGN (gametogenetin; minus strand). Cytogenetic location: 19q13.2.
Variant type: single nucleotide variant.
Coding change: c.492T>C on transcript NM_152657.4 (MANE Select); coding-DNA position 492, T replaced by C.
Protein change: p.Phe164=; no amino-acid change (phenylalanine 164 retained).
Molecular consequence: synonymous variant.
Genome position (GRCh38, 1-based): chr19:38,386,770, A>G on the plus strand (T>C on the coding strand, the complement: GGN is on the minus strand). VCF-style: chr19-38386770-A-G. GRCh37 (hg19) VCF-style: chr19-38877410-A-G.
Identifiers: ClinVar variation 2649789 (VCV002649789.25), dbSNP rs776859130, ClinGen allele CA9414362.
Genomic context (GRCh38, chr19:38,386,770, plus strand): 5'-CGCCGGCTGCCGTTCAGAAGGTAATGGTGGTGGCGGCTTCCAAGTCTCCAGGGGCGGCGG[A>G]AATTGGGATGGGGCCCTCGGGACAGTGTCCTTCACGGATAGTTGCCGGGGCGGCGGCGGC-3'
Protein context (NP_689870.3, residues 154-174): KDTVPRAPSQ[Phe164=]PPPLETWKPP